The following is an entry in ClinVar:

ClinVar aggregate classification (germline): Likely benign (0 of 4 stars; one submission).

Conditions:
MAPK10-related disorder. Also called: MAPK10-related condition.

Allele frequency attached by ClinVar (database versions not stated): TOPMed 0.00007 and 0.00010; ExAC 0.00087; 1000 Genomes Project 30x 0.00156; 1000 Genomes Project 0.00160; ESP Exome Variant Server 0.00023; gnomAD 0.00028; gnomAD exomes 0.00078.
gnomAD v4.1: 784 of 1,611,034 alleles (0.049%); highest among the groups gnomAD compares: South Asian, 0.64%; 6 homozygotes.

Submission:

PreventionGenetics, part of Exact Sciences
Classification: Likely benign for MAPK10-related condition. Last evaluated: 2019-05-02. Review status: no assertion criteria provided. Collection method: clinical testing. Allele origin: germline.
Comment: This variant is classified as likely benign based on ACMG/AMP sequence variant interpretation guidelines (Richards et al. 2015 PMID: 25741868, with internal and published modifications).

NM_138982.4(MAPK10):c.1223G>T (p.Gly408Val)

Gene: MAPK10 (mitogen-activated protein kinase 10; minus strand). Cytogenetic location: 4q21.3.
Variant type: single nucleotide variant.
Coding change: c.1223G>T on transcript NM_138982.4 (MANE Select); coding-DNA position 1223, G replaced by T.
Protein change: p.Gly408Val; replaces glycine 408 with valine.
Molecular consequence: missense variant.
Genome position (GRCh38, 1-based): chr4:86,029,226, C>A on the plus strand (G>T on the coding strand, the complement: MAPK10 is on the minus strand). VCF-style: chr4-86029226-C-A. GRCh37 (hg19) VCF-style: chr4-86950379-C-A.
Other names: c.1223G>T, p.Gly408Val (NM_001318067.1, NM_001318069.2, NM_002753.6); c.788G>T, p.Gly263Val (NM_001318068.1); c.1109G>T, p.Gly370Val (NM_001351624.2, NM_001351625.3, NM_001363657.3 and 1 more transcripts); c.1223G>T (NM_002753.4); short protein forms G408V, G263V, G370V.
Identifiers: ClinVar variation 3038353 (VCV003038353.2), dbSNP rs200198724, ClinGen allele CA2995000.